The following is an entry in ClinVar:

ClinVar aggregate classification (germline): Uncertain significance (1 of 4 stars; one submission).

Allele frequency attached by ClinVar (database versions not stated): TOPMed below 0.00001; gnomAD 0.00001.

Submission:

Labcorp Genetics (formerly Invitae), Labcorp
Classification: Uncertain significance. Last evaluated: 2021-11-06. Review status: criteria provided, single submitter. Criteria: Invitae Variant Classification Sherloc (09022015). Collection method: clinical testing. Allele origin: germline.
Comment: In summary, the available evidence is currently insufficient to determine the role of this variant in disease. Therefore, it has been classified as a Variant of Uncertain Significance. Advanced modeling of protein sequence and biophysical properties (such as structural, functional, and spatial information, amino acid conservation, physicochemical variation, residue mobility, and thermodynamic stability) performed at Invitae indicates that this missense variant is not expected to disrupt CDHR1 protein function. This variant has not been reported in the literature in individuals affected with CDHR1-related conditions. This variant is not present in population databases (gnomAD no frequency). This sequence change replaces proline, which is neutral and non-polar, with serine, which is neutral and polar, at codon 826 of the CDHR1 protein (p.Pro826Ser).

NM_033100.4(CDHR1):c.2476C>T (p.Pro826Ser)

Gene: CDHR1 (cadherin related family member 1; plus strand). Cytogenetic location: 10q23.1.
Variant type: single nucleotide variant.
Coding change: c.2476C>T on transcript NM_033100.4 (MANE Select); coding-DNA position 2476, C replaced by T.
Protein change: p.Pro826Ser; replaces proline 826 with serine.
Molecular consequence: missense variant. On other transcripts: intron variant (1).
Genome position (GRCh38, 1-based): chr10:84,214,517, C>T. VCF-style: chr10-84214517-C-T. GRCh37 (hg19) VCF-style: chr10-85974273-C-T.
Other names: c.2040+1169C>T (NM_001171971.3); short protein forms P826S.
Identifiers: ClinVar variation 1391683 (VCV001391683.6), dbSNP rs1165238929, ClinGen allele CA377380154.